The following is an entry in ClinVar:

NM_000553.6(WRN):c.2322A>T (p.Arg774Ser)

Gene: WRN (WRN RecQ like helicase; plus strand). Cytogenetic location: 8p12.
Variant type: single nucleotide variant.
Coding change: c.2322A>T on transcript NM_000553.6 (MANE Select); coding-DNA position 2322, A replaced by T.
Protein change: p.Arg774Ser; replaces arginine 774 with serine.
Molecular consequence: missense variant.
Genome position (GRCh38, 1-based): chr8:31,116,402, A>T. VCF-style: chr8-31116402-A-T. GRCh37 (hg19) VCF-style: chr8-30973918-A-T.
Other names: short protein forms R774S.
Identifiers: ClinVar variation 2200652 (VCV002200652.4), dbSNP rs1485730285, ClinGen allele CA370913504.

ClinVar aggregate classification (germline): Uncertain significance (1 of 4 stars; one submission).

Conditions:
Werner syndrome (WRN). Identifiers: Orphanet 902, MedGen C0043119, MONDO:0010196, OMIM 277700.

Allele frequency attached by ClinVar (database versions not stated): TOPMed below 0.00001.

Submission:

Labcorp Genetics (formerly Invitae), Labcorp
Classification: Uncertain significance for Werner syndrome. Last evaluated: 2022-06-14. Review status: criteria provided, single submitter. Criteria: Invitae Variant Classification Sherloc (09022015). Collection method: clinical testing. Allele origin: germline.
Comment: In summary, the available evidence is currently insufficient to determine the role of this variant in disease. Therefore, it has been classified as a Variant of Uncertain Significance. Algorithms developed to predict the effect of missense changes on protein structure and function are either unavailable or do not agree on the potential impact of this missense change (SIFT: "Not Available"; PolyPhen-2: "Probably Damaging"; Align-GVGD: "Not Available"). This variant has not been reported in the literature in individuals affected with WRN-related conditions. This variant is not present in population databases (gnomAD no frequency). This sequence change replaces arginine, which is basic and polar, with serine, which is neutral and polar, at codon 774 of the WRN protein (p.Arg774Ser).